The following is an entry in ClinVar:

NM_001365536.1(SCN9A):c.1345A>G (p.Ser449Gly)

Genes: SCN9A (sodium voltage-gated channel alpha subunit 9; minus strand), SCN1A-AS1 (SCN1A and SCN9A antisense RNA 1; plus strand). Cytogenetic location: 2q24.3.
Variant type: single nucleotide variant.
Coding change: c.1345A>G on transcript NM_001365536.1 (MANE Select); coding-DNA position 1345, A replaced by G.
Protein change: p.Ser449Gly; replaces serine 449 with glycine.
Molecular consequence: missense variant.
Genome position (GRCh38, 1-based): chr2:166,286,593, T>C on the plus strand (A>G on the coding strand, the complement: SCN9A is on the minus strand). VCF-style: chr2-166286593-T-C. GRCh37 (hg19) VCF-style: chr2-167143103-T-C.
Other names: c.1345A>G, p.Ser449Gly (NM_002977.4); short protein forms S449G.
Identifiers: ClinVar variation 1504347 (VCV001504347.8), dbSNP rs199927766, ClinGen allele CA349084950.

ClinVar aggregate classification (germline): Uncertain significance (1 of 4 stars; one submission).

Conditions:
Neuropathy, hereditary sensory and autonomic, type 2A (HSAN2A). Also called: WNK1-Related HSAN2 (HSAN2A); HSAN IIA; ACROOSTEOLYSIS, GIACCAI TYPE; ACROOSTEOLYSIS, NEUROGENIC; MORVAN DISEASE; NEUROPATHY, CONGENITAL SENSORY. Identifiers: Orphanet 970, MedGen C2752089, MONDO:0024309, OMIM 201300.
Generalized epilepsy with febrile seizures plus, type 7 (GEFSP7). Also called: GEFS+, TYPE 7. Identifiers: Orphanet 36387, MedGen C2751778, MONDO:0013470, OMIM 613863.

Allele frequency attached by ClinVar (database versions not stated): gnomAD exomes below 0.00001.
gnomAD v4.1: 2 of 1,576,928 alleles (0.00013%); highest among the groups gnomAD compares: East Asian, 0.0022%; no homozygotes.

Submission:

Labcorp Genetics (formerly Invitae), Labcorp
Classification: Uncertain significance for Neuropathy, hereditary sensory and autonomic, type 2A; Generalized epilepsy with febrile seizures plus, type 7. Last evaluated: 2020-11-28. Review status: criteria provided, single submitter. Criteria: Invitae Variant Classification Sherloc (09022015). Collection method: clinical testing. Allele origin: germline.
Comment: This sequence change replaces serine with glycine at codon 449 of the SCN9A protein (p.Ser449Gly). The serine residue is moderately conserved and there is a small physicochemical difference between serine and glycine. This variant is not present in population databases (ExAC no frequency). This variant has not been reported in the literature in individuals with SCN9A-related conditions. Algorithms developed to predict the effect of missense changes on protein structure and function (SIFT, PolyPhen-2, Align-GVGD) all suggest that this variant is likely to be tolerated, but these predictions have not been confirmed by published functional studies and their clinical significance is uncertain. Algorithms developed to predict the effect of sequence changes on RNA splicing suggest that this variant may create or strengthen a splice site, but this prediction has not been confirmed by published transcriptional studies. In summary, the available evidence is currently insufficient to determine the role of this variant in disease. Therefore, it has been classified as a Variant of Uncertain Significance.